The following is an entry in ClinVar:

ClinVar aggregate classification (germline): Likely pathogenic (1 of 4 stars; one submission).

Conditions:
Glycogen storage disease, type V (GSD5). Also called: MCARDLE DISEASE; MUSCLE GLYCOGEN PHOSPHORYLASE DEFICIENCY; MYOPHOSPHORYLASE DEFICIENCY; PYGM DEFICIENCY; McArdle type glycogen storage disease. Identifiers: Orphanet 368, MedGen C0017924, MONDO:0009293, OMIM 232600.

gnomAD v4.1: 10 of 1,614,004 alleles (0.00062%); highest among the groups gnomAD compares: South Asian, 0.0022%; no homozygotes.

Submission:

Natera, Inc.
Classification: Likely pathogenic for Glycogen storage disease V. Last evaluated: 2024-12-23. Review status: criteria provided, single submitter. Criteria: Natera Variant Classification Schema (03/2026). Collection method: clinical testing. Allele origin: germline.
Comment: The c.482G>A variant in PYGM is a missense variant predicted to cause substitution of arginine to histidine at amino acid 161. This variant is rare in the general population with a frequency below the threshold expected for the associated phenotype(s). This variant has been identified in one or more affected individual with a phenotype highly consistent with the associated gene (PMID: 35150142). A different variant at the same position has been determined to be Pathogenic or Likely Pathogenic. Computational prediction algorithms indicate this variant is likely to affect gene or protein function. Given the available evidence, this variant is classified as Likely Pathogenic.

Literature cited by the submitters: PubMed 35150142.

NM_005609.4(PYGM):c.482G>A (p.Arg161His)

Gene: PYGM (glycogen phosphorylase, muscle associated; minus strand). Cytogenetic location: 11q13.1.
Variant type: single nucleotide variant.
Coding change: c.482G>A on transcript NM_005609.4 (MANE Select); coding-DNA position 482, G replaced by A.
Protein change: p.Arg161His; replaces arginine 161 with histidine.
Molecular consequence: missense variant. On other transcripts: intron variant (1).
Genome position (GRCh38, 1-based): chr11:64,758,292, C>T on the plus strand (G>A on the coding strand, the complement: PYGM is on the minus strand). VCF-style: chr11-64758292-C-T. GRCh37 (hg19) VCF-style: chr11-64525764-C-T.
Other names: c.244-26G>A (NM_001164716.1); short protein forms R161H.
Identifiers: ClinVar variation 4815437 (VCV004815437.1).